The following is an entry in ClinVar:

NM_004360.5(CDH1):c.388-44G>C

Gene: CDH1 (cadherin 1; plus strand). Cytogenetic location: 16q22.1.
Variant type: single nucleotide variant.
Coding change: c.388-44G>C on transcript NM_004360.5 (MANE Select); 44 bases into the intron before coding-DNA position 388, G replaced by C.
Molecular consequence: intron variant.
Genome position (GRCh38, 1-based): chr16:68,808,380, G>C. VCF-style: chr16-68808380-G-C. GRCh37 (hg19) VCF-style: chr16-68842283-G-C.
Other names: c.-1228-44G>C (NM_001317185.2); c.-1432-44G>C (NM_001317186.2); c.388-44G>C (NM_001317184.2).
Identifiers: ClinVar variation 4539156 (VCV004539156.1).

ClinVar aggregate classification (germline): Likely benign (1 of 4 stars; one submission).

Submission:

Center for Genomic Medicine, Rigshospitalet, Copenhagen University Hospital
Classification: Likely benign. Last evaluated: 2025-12-29. Review status: criteria provided, single submitter. Criteria: ACMG Guidelines, 2015. Collection method: clinical testing. Allele origin: germline.
Comment: Classification criteria: BP4, BP7